The following is an entry in ClinVar:

NM_001080449.3(DNA2):c.1897G>T (p.Ala633Ser)

Gene: DNA2 (DNA replication helicase/nuclease 2; minus strand). Cytogenetic location: 10q21.3.
Variant type: single nucleotide variant.
Coding change: c.1897G>T on transcript NM_001080449.3 (MANE Select); coding-DNA position 1897, G replaced by T.
Protein change: p.Ala633Ser; replaces alanine 633 with serine.
Molecular consequence: missense variant. On other transcripts: non-coding transcript variant (1).
Genome position (GRCh38, 1-based): chr10:68,431,948, C>A on the plus strand (G>T on the coding strand, the complement: DNA2 is on the minus strand). VCF-style: chr10-68431948-C-A. GRCh37 (hg19) VCF-style: chr10-70191705-C-A.
Other names: short protein forms A633S.
Identifiers: ClinVar variation 1400188 (VCV001400188.8), dbSNP rs763355093, ClinGen allele CA5524946.

ClinVar aggregate classification (germline): Uncertain significance (1 of 4 stars; one submission).

Allele frequency attached by ClinVar (database versions not stated): ExAC 0.00001; gnomAD exomes 0.00001 and 0.00002; TOPMed 0.00003; gnomAD 0.00004.
gnomAD v4.1: 21 of 1,613,228 alleles (0.0013%); highest among the groups gnomAD compares: Non-Finnish European, 0.0018%; no homozygotes.

Submission:

Labcorp Genetics (formerly Invitae), Labcorp
Classification: Uncertain significance. Last evaluated: 2025-12-15. Review status: criteria provided, single submitter. Criteria: Invitae Variant Classification Sherloc (09022015). Collection method: clinical testing. Allele origin: germline.
Comment: This sequence change replaces alanine, which is neutral and non-polar, with serine, which is neutral and polar, at codon 633 of the DNA2 protein (p.Ala633Ser). This variant is present in population databases (rs763355093, gnomAD 0.006%). This variant has not been reported in the literature in individuals affected with DNA2-related conditions. ClinVar contains an entry for this variant (Variation ID: 1400188). Invitae Evidence Modeling of protein sequence and biophysical properties (such as structural, functional, and spatial information, amino acid conservation, physicochemical variation, residue mobility, and thermodynamic stability) indicates that this missense variant is expected to disrupt DNA2 protein function with a positive predictive value of 80%. In summary, the available evidence is currently insufficient to determine the role of this variant in disease. Therefore, it has been classified as a Variant of Uncertain Significance.